The following is an entry in ClinVar:

ClinVar aggregate classification (germline): Conflicting classifications of pathogenicity. Review status: criteria provided, conflicting classifications (1 of 4 stars). 2 submissions from 2 submitters: Pathogenic (1); Uncertain significance (1). Last evaluated 2025-02-02.

Conditions:
Papillary renal cell carcinoma type 1 (RCCP1). Also called: Renal adenocarcinoma; Renal cell carcinoma 1; Renal cell carcinoma, somatic; RENAL CELL CARCINOMA, PAPILLARY, 1, SOMATIC. Identifiers: Orphanet 47044, MedGen C1336839, OMIM 605074, HP:0011797.

Allele frequency attached by ClinVar (database versions not stated): TOPMed below 0.00001; gnomAD 0.00001; gnomAD exomes 0.00001 and 0.00002.
gnomAD v4.1: 11 of 1,613,466 alleles (0.00068%); highest among the groups gnomAD compares: African/African-American, 0.0027%; no homozygotes.

Submissions (2):

Labcorp Genetics (formerly Invitae), Labcorp
Classification: Uncertain significance. Last evaluated: 2025-02-02. Review status: criteria provided, single submitter. Criteria: Invitae Variant Classification Sherloc (09022015). Collection method: clinical testing. Allele origin: germline.
Comment: This sequence change replaces arginine, which is basic and polar, with glutamine, which is neutral and polar, at codon 1009 of the MTOR protein (p.Arg1009Gln). This variant is present in population databases (rs778855567, gnomAD 0.004%). This variant has not been reported in the literature in individuals affected with MTOR-related conditions. ClinVar contains an entry for this variant (Variation ID: 801436). Invitae Evidence Modeling of protein sequence and biophysical properties (such as structural, functional, and spatial information, amino acid conservation, physicochemical variation, residue mobility, and thermodynamic stability) indicates that this missense variant is not expected to disrupt MTOR protein function with a negative predictive value of 95%. In summary, the available evidence is currently insufficient to determine the role of this variant in disease. Therefore, it has been classified as a Variant of Uncertain Significance.

Mendelics
Classification: Pathogenic for Papillary renal cell carcinoma type 1. Last evaluated: 2019-05-28. Review status: criteria provided, single submitter. Criteria: Mendelics Assertion Criteria 2017. Collection method: clinical testing. Allele origin: unknown.

NM_004958.4(MTOR):c.3026G>A (p.Arg1009Gln)

Gene: MTOR (mechanistic target of rapamycin kinase; minus strand). Cytogenetic location: 1p36.22.
Variant type: single nucleotide variant.
Coding change: c.3026G>A on transcript NM_004958.4 (MANE Select); coding-DNA position 3026, G replaced by A.
Protein change: p.Arg1009Gln; replaces arginine 1009 with glutamine.
Molecular consequence: missense variant.
Genome position (GRCh38, 1-based): chr1:11,228,672, C>T on the plus strand (G>A on the coding strand, the complement: MTOR is on the minus strand). VCF-style: chr1-11228672-C-T. GRCh37 (hg19) VCF-style: chr1-11288729-C-T.
Other names: short protein forms R1009Q.
Identifiers: ClinVar variation 801436 (VCV000801436.3), dbSNP rs778855567, ClinGen allele CA590334.
Genomic context (GRCh38, chr1:11,228,672, plus strand): 5'-TCTGTGCATGTGTGGTGCAGAGGAGAAAGAGAAGGATTGGGGTTTGAGGTACTTACTTCC[C>T]GGATGGCCCCATCACAGACTCGAATGACGTTAAGGAACGTGGGCATGACCTGGGGCAGGA-3'
Protein context (NP_004949.1, residues 999-1019): NVIRVCDGAI[Arg1009Gln]EFLFQQLGML